The following is an entry in ClinVar:

ClinVar aggregate classification (germline): Uncertain significance (1 of 4 stars; one submission).

Allele frequency attached by ClinVar (database versions not stated): gnomAD exomes below 0.00001.
gnomAD v4.1: 7 of 1,614,102 alleles (0.00043%); highest among the groups gnomAD compares: East Asian, 0.0045%; no homozygotes.

Submission:

Labcorp Genetics (formerly Invitae), Labcorp
Classification: Uncertain significance. Last evaluated: 2022-07-13. Review status: criteria provided, single submitter. Criteria: Invitae Variant Classification Sherloc (09022015). Collection method: clinical testing. Allele origin: germline.
Comment: This sequence change replaces arginine, which is basic and polar, with glutamine, which is neutral and polar, at codon 648 of the RFWD3 protein (p.Arg648Gln). This variant is present in population databases (no rsID available, gnomAD 0.006%). This variant has not been reported in the literature in individuals affected with RFWD3-related conditions. Algorithms developed to predict the effect of missense changes on protein structure and function (SIFT, PolyPhen-2, Align-GVGD) all suggest that this variant is likely to be tolerated. In summary, the available evidence is currently insufficient to determine the role of this variant in disease. Therefore, it has been classified as a Variant of Uncertain Significance.

NM_018124.4(RFWD3):c.1943G>A (p.Arg648Gln)

Gene: RFWD3 (ring finger and WD repeat domain 3; minus strand). Cytogenetic location: 16q23.1.
Variant type: single nucleotide variant.
Coding change: c.1943G>A on transcript NM_018124.4 (MANE Select); coding-DNA position 1943, G replaced by A.
Protein change: p.Arg648Gln; replaces arginine 648 with glutamine.
Molecular consequence: missense variant.
Genome position (GRCh38, 1-based): chr16:74,628,478, C>T on the plus strand (G>A on the coding strand, the complement: RFWD3 is on the minus strand). VCF-style: chr16-74628478-C-T. GRCh37 (hg19) VCF-style: chr16-74662376-C-T.
Other names: c.1943G>A, p.Arg648Gln (NM_001370534.1, NM_001370535.1); c.1766G>A, p.Arg589Gln (NM_001370536.1); c.1109G>A, p.Arg370Gln (NM_001370537.1, NM_001370539.1, NM_001370540.1 and 3 more transcripts); short protein forms R370Q, R589Q, R648Q.
Identifiers: ClinVar variation 2021517 (VCV002021517.4), dbSNP rs1184333222, ClinGen allele CA396759686.